The following is an entry in ClinVar:

ClinVar aggregate classification (germline): Uncertain significance. Review status: criteria provided, multiple submitters, no conflicts (2 of 4 stars). 2 submissions from 2 submitters: Uncertain significance (2). Last evaluated 2026-02-23.

Conditions:
Inborn genetic diseases. Identifiers: MedGen C0950123, MeSH D030342.

Allele frequency attached by ClinVar (database versions not stated): gnomAD exomes below 0.00001; TOPMed below 0.00001; gnomAD 0.00001.
gnomAD v4.1: 7 of 1,613,958 alleles (0.00043%); highest among the groups gnomAD compares: Non-Finnish European, 0.00051%; no homozygotes.

Submissions (2):

Ambry Genetics
Classification: Uncertain significance for Inborn genetic diseases. Last evaluated: 2026-02-23. Review status: criteria provided, single submitter. Criteria: Ambry Variant Classification Scheme 2023. Collection method: clinical testing. Allele origin: germline.
Comment: The c.3346A>G (p.I1116V) alteration is located in exon 5 (coding exon 5) of the KMT2A gene. This alteration results from a A to G substitution at nucleotide position 3346, causing the isoleucine (I) at amino acid position 1116 to be replaced by a valine (V). Based on data from gnomAD, the G allele has an overall frequency of <0.001% (1/251422) total alleles studied. The highest observed frequency was 0.003% (1/30616) of South Asian alleles. Based on insufficient or conflicting evidence, the clinical significance of this alteration remains unclear.

Labcorp Genetics (formerly Invitae), Labcorp
Classification: Uncertain significance. Last evaluated: 2022-03-09. Review status: criteria provided, single submitter. Criteria: Invitae Variant Classification Sherloc (09022015). Collection method: clinical testing. Allele origin: germline.
Comment: This sequence change replaces isoleucine, which is neutral and non-polar, with valine, which is neutral and non-polar, at codon 1116 of the KMT2A protein (p.Ile1116Val). This variant is present in population databases (no rsID available, gnomAD 0.003%). This variant has not been reported in the literature in individuals affected with KMT2A-related conditions. Advanced modeling of protein sequence and biophysical properties (such as structural, functional, and spatial information, amino acid conservation, physicochemical variation, residue mobility, and thermodynamic stability) performed at Invitae indicates that this missense variant is not expected to disrupt KMT2A protein function. In summary, the available evidence is currently insufficient to determine the role of this variant in disease. Therefore, it has been classified as a Variant of Uncertain Significance.

NM_001197104.2(KMT2A):c.3346A>G (p.Ile1116Val)

Gene: KMT2A (lysine methyltransferase 2A; plus strand). Cytogenetic location: 11q23.3.
Variant type: single nucleotide variant.
Coding change: c.3346A>G on transcript NM_001197104.2 (MANE Select); coding-DNA position 3346, A replaced by G.
Protein change: p.Ile1116Val; replaces isoleucine 1116 with valine.
Molecular consequence: missense variant.
Genome position (GRCh38, 1-based): chr11:118,477,978, A>G. VCF-style: chr11-118477978-A-G. GRCh37 (hg19) VCF-style: chr11-118348693-A-G.
Other names: c.3445A>G, p.Ile1149Val (NM_001412597.1); c.3346A>G, p.Ile1116Val (NM_005933.4); short protein forms I1116V, I1149V.
Identifiers: ClinVar variation 2090646 (VCV002090646.5), dbSNP rs902467237, ClinGen allele CA229523985.